The following is an entry in ClinVar:

NM_032043.3(BRIP1):c.2369A>C (p.Lys790Thr)

Gene: BRIP1 (BRCA1 interacting DNA helicase 1; minus strand). Cytogenetic location: 17q23.2.
Variant type: single nucleotide variant.
Coding change: c.2369A>C on transcript NM_032043.3 (MANE Select); coding-DNA position 2369, A replaced by C.
Protein change: p.Lys790Thr; replaces lysine 790 with threonine.
Molecular consequence: missense variant.
Genome position (GRCh38, 1-based): chr17:61,743,023, T>G on the plus strand (A>C on the coding strand, the complement: BRIP1 is on the minus strand). VCF-style: chr17-61743023-T-G. GRCh37 (hg19) VCF-style: chr17-59820384-T-G.
Other names: short protein forms K790T.
Identifiers: ClinVar variation 2564589 (VCV002564589.2), dbSNP rs2144675346, ClinGen allele CA400482541.
Genomic context (GRCh38, chr17:61,743,023, plus strand): 5'-CAAAACCAATGACTCCTGTAATAATAAAACTTAAGGTTTTGATGGCCTACCTGTAGATCT[T>G]TCACATTTGGAAAAGGAATTCCTATTGTTATGACAGCACGGGCATTGTCATCTGAGAAAT-3'
Protein context (NP_114432.2, residues 780-800): ITIGIPFPNV[Lys790Thr]DLQVELKRQY

ClinVar aggregate classification (germline): Uncertain significance (1 of 4 stars; one submission).

Conditions:
Hereditary cancer-predisposing syndrome. Also called: Neoplastic Syndromes, Hereditary; Hereditary Cancer Syndrome; Hereditary neoplastic syndrome; Tumor predisposition. Identifiers: Orphanet 140162, MedGen C0027672, MeSH D009386, MONDO:0015356.

Submission:

Ambry Genetics
Classification: Uncertain significance for Hereditary cancer-predisposing syndrome. Last evaluated: 2023-04-08. Review status: criteria provided, single submitter. Criteria: Ambry Variant Classification Scheme 2023. Collection method: clinical testing. Allele origin: germline.
Comment: The p.K790T variant (also known as c.2369A>C), located in coding exon 15 of the BRIP1 gene, results from an A to C substitution at nucleotide position 2369. The lysine at codon 790 is replaced by threonine, an amino acid with similar properties. This amino acid position is conserved. In addition, the in silico prediction for this alteration is inconclusive. Since supporting evidence is limited at this time, the clinical significance of this alteration remains unclear.